The following is an entry in ClinVar:

ClinVar aggregate classification (germline): Pathogenic (1 of 4 stars; one submission).

Conditions:
Melnick-Fraser syndrome (BOR). Also called: Branchiootorenal Syndrome (BORS); Branchio-oto-renal syndrome; Branchiootorenal syndrome. Identifiers: Orphanet 107, MedGen C0265234, MONDO:0007029.

Submission:

Labcorp Genetics (formerly Invitae), Labcorp
Classification: Pathogenic for Melnick-Fraser syndrome. Last evaluated: 2025-07-10. Review status: criteria provided, single submitter. Criteria: Invitae Variant Classification Sherloc (09022015). Collection method: clinical testing. Allele origin: germline.
Comment: This sequence change is expected to alter the c-terminus of the EYA1 protein (p.Arg540Asnfs*91). While this is not anticipated to result in nonsense mediated decay, it is expected to disrupt the last 53 amino acid(s) of the EYA1 protein and extend the protein by 37 additional amino acid residues. This variant is not present in population databases (gnomAD no frequency). This variant has not been reported in the literature in individuals affected with EYA1-related conditions. This variant disrupts a region of the EYA1 protein in which other variant(s) (p.Gln562*) have been determined to be pathogenic (internal data). This suggests that this is a clinically significant region of the protein, and that variants that disrupt it are likely to be disease-causing. For these reasons, this variant has been classified as Pathogenic.

NM_000503.6(EYA1):c.1619_1620del (p.Arg540fs)

Gene: EYA1 (EYA transcriptional coactivator and phosphatase 1; minus strand). Cytogenetic location: 8q13.3.
Variant type: Microsatellite.
Coding change: c.1619_1620del on transcript NM_000503.6 (MANE Select); coding-DNA positions 1619 to 1620, 2 bases deleted (GA; older notation c.1619_1620delGA).
Protein change: p.Arg540fs; shifts the reading frame from arginine 540.
Molecular consequence: frameshift variant.
Genome position (GRCh38, 1-based): chr8:71,211,234-71,211,235, TC deleted on the plus strand (GA on the coding strand, the reverse complement: EYA1 is on the minus strand); deleting any 2 consecutive bases within chr8:71,211,234-71,211,239 gives the same sequence; the c. name uses the placement nearest the transcript's 3' end. VCF-style (leftmost placement, unchanged base first): chr8-71211233-TTC-T. GRCh37 (hg19) VCF-style: chr8-72123468-TTC-T.
Other names: c.1598_1599del, p.Arg533fs (NM_001370336.1); c.1619_1620del, p.Arg540fs (NM_172058.4, NM_001370334.1, NM_001370335.1); c.1601_1602del, p.Arg534fs (NM_001288574.2, NM_172059.5); c.1253_1254del, p.Arg418fs (NM_001288575.2); c.1706_1707del, p.Arg569fs (NM_001370333.1); short protein forms R534fs, R569fs, R533fs, R418fs, R540fs.
Identifiers: ClinVar variation 1391097 (VCV001391097.8), dbSNP rs2128835431, ClinGen allele CA2580617176.